The following is an entry in ClinVar:

NM_000143.4(FH):c.555+5G>A

Gene: FH (fumarate hydratase; minus strand). Cytogenetic location: 1q43.
Variant type: single nucleotide variant.
Coding change: c.555+5G>A on transcript NM_000143.4 (MANE Select); 5 bases into the intron after coding-DNA position 555, G replaced by A.
Molecular consequence: intron variant.
Genome position (GRCh38, 1-based): chr1:241,511,962, C>T on the plus strand (G>A on the coding strand, the complement: FH is on the minus strand). VCF-style: chr1-241511962-C-T. GRCh37 (hg19) VCF-style: chr1-241675262-C-T.
Identifiers: ClinVar variation 2567077 (VCV002567077.4), dbSNP rs1553341582, ClinGen allele CA2580611249.
Genomic context (GRCh38, chr1:241,511,962, plus strand): 5'-ACAAGAACAATCTCAGGTATGCTTTTCAATTTATAACCAAAAAACAGCAAAGCTCACATA[C>T]TGACCTGGCTTTTATTAACATGATCGTTGGGATGCACAGGTATCTTGCTGCCAAGTTCAC-3'

ClinVar aggregate classification (germline): Likely pathogenic (1 of 4 stars; one submission).

Conditions:
Hereditary cancer-predisposing syndrome. Also called: Hereditary neoplastic syndrome; Hereditary Cancer Syndrome; Neoplastic Syndromes, Hereditary; Tumor predisposition. Identifiers: Orphanet 140162, MedGen C0027672, MeSH D009386, MONDO:0015356.

Submission:

Ambry Genetics
Classification: Likely pathogenic for Hereditary cancer-predisposing syndrome. Last evaluated: 2025-07-29. Review status: criteria provided, single submitter. Criteria: Ambry Variant Classification Scheme 2023. Collection method: clinical testing. Allele origin: germline.
Comment: The c.555+5G>A intronic variant results from a G to A substitution 5 nucleotides after coding exon 4 in the FH gene. This alteration has been observed in at least one individual with a personal and/or family history that is consistent with FH-related disease (Ambry internal data). This variant is considered to be rare based on population cohorts in the Genome Aggregation Database (gnomAD). This nucleotide position is well conserved in available vertebrate species. In silico splice site analysis predicts that this alteration will result in the creation or strengthening of a novel splice donor site. RNA studies have demonstrated that this alteration results in abnormal splicing in the set of samples tested (Ambry internal data). Based on the majority of available evidence to date, this variant is likely to be pathogenic.